The following is an entry in ClinVar:

NM_001330574.2(ZNF711):c.1343T>C (p.Met448Thr)

Gene: ZNF711 (ZFX family zinc finger ZNF711; plus strand). Cytogenetic location: Xq21.1.
Variant type: single nucleotide variant.
Coding change: c.1343T>C on transcript NM_001330574.2 (MANE Select); coding-DNA position 1343, T replaced by C.
Protein change: p.Met448Thr; replaces methionine 448 with threonine.
Molecular consequence: missense variant.
Genome position (GRCh38, 1-based): chrX:85,270,747, T>C. VCF-style: chrX-85270747-T-C. GRCh37 (hg19) VCF-style: chrX-84525753-T-C.
Other names: c.1343T>C, p.Met448Thr (NM_001375431.1, NM_001375432.1, NM_001375433.1); c.1205T>C, p.Met402Thr (NM_001375434.1, NM_001375435.1, NM_001375436.1 and 2 more transcripts); short protein forms M402T, M448T.
Identifiers: ClinVar variation 4885547 (VCV004885547.2).
Genomic context (GRCh38, chrX:85,270,747, plus strand): 5'-TGTACCCTTGCCATATTTGCACAAAAAAGTTTAAATCCAGGGGATTCTTAAAAAGACACA[T>C]GAAGAATCATCCTGATCATTTAATGAGAAAAAAATATCAGTGTACAGATTGTGACTTTAC-3'
Protein context (NP_001317503.1, residues 438-458): FKSRGFLKRH[Met448Thr]KNHPDHLMRK

ClinVar aggregate classification (germline): Uncertain significance (1 of 4 stars; one submission).

Submission:

Dasa
Classification: Uncertain significance. Last evaluated: 2024-06-29. Review status: criteria provided, single submitter. Criteria: DASA Assertion Criteria. Collection method: clinical testing. Allele origin: germline.
Comment: NM_001330574.2(ZNF711):c.1343T>C (p.Met448Thr) is a missense variant that results in the substitution of methionine with threonine. This variant is rare in population databases. The currently available literature and clinical evidence are not sufficient to establish a definitive association between this variant and the reported condition. Therefore, this variant is classified as a variant of uncertain significance.